The following is an entry in ClinVar:

ClinVar aggregate classification (germline): Likely benign (1 of 4 stars; one submission).

gnomAD v4.1: 96 of 1,610,882 alleles (0.006%); highest among the groups gnomAD compares: East Asian, 0.022%; no homozygotes.

Submission:

CeGaT Center for Human Genetics Tuebingen
Classification: Likely benign. Last evaluated: 2026-08-01. Review status: criteria provided, single submitter. Criteria: CeGaT Center For Human Genetics Tuebingen Variant Classification Criteria Version 2. Collection method: clinical testing. Allele origin: germline. Affected: yes. Observed: 1 variant allele.
Comment: QTGAL: BP4, BP7

NM_001009905.3(QTGAL):c.240C>T (p.Tyr80=)

Gene: QTGAL (queuosine-tRNA galactosyltransferase). Cytogenetic location: 17q25.3.
Variant type: single nucleotide variant.
Coding change: c.240C>T on transcript NM_001009905.3 (MANE Select); coding-DNA position 240, C replaced by T.
Protein change: p.Tyr80=; no amino-acid change (tyrosine 80 retained).
Molecular consequence: synonymous variant. On other transcripts: non-coding transcript variant (1).
Genome position (GRCh38, 1-based): chr17:83,035,092, G>A on the plus strand (C>T on the coding strand, the complement: QTGAL is on the minus strand). VCF-style: chr17-83035092-G-A. GRCh37 (hg19) VCF-style: chr17-80992968-G-A.
Other names: c.243C>T, p.Tyr81= (NM_001320742.2).
Identifiers: ClinVar variation 5038531 (VCV005038531.1).